The following is an entry in ClinVar:

NM_001204.7(BMPR2):c.1095C>T (p.Arg365=)

Gene: BMPR2 (bone morphogenetic protein receptor type 2; plus strand). Cytogenetic location: 2q33.2.
Variant type: single nucleotide variant.
Coding change: c.1095C>T on transcript NM_001204.7 (MANE Select); coding-DNA position 1095, C replaced by T.
Protein change: p.Arg365=; no amino-acid change (arginine 365 retained).
Molecular consequence: synonymous variant.
Genome position (GRCh38, 1-based): chr2:202,530,921, C>T. VCF-style: chr2-202530921-C-T. GRCh37 (hg19) VCF-style: chr2-203395644-C-T.
Identifiers: ClinVar variation 2603376 (VCV002603376.4), dbSNP rs780185585, ClinGen allele CA2061288.

ClinVar aggregate classification (germline): Likely benign. Review status: criteria provided, single submitter (1 of 4 stars). 2 submissions from 2 submitters: Likely benign (1). 1 of the submissions does not count toward it. Last evaluated 2023-09-05.

Conditions:
Inborn genetic diseases. Identifiers: MedGen C0950123, MeSH D030342.
BMPR2-related disorder. Also called: BMPR2-related disorders; BMPR2-related condition.

Allele frequency attached by ClinVar (database versions not stated): ExAC 0.00001; gnomAD 0.00001; gnomAD exomes 0.00002; TOPMed 0.00002.
gnomAD v4.1: 33 of 1,613,900 alleles (0.002%); highest among the groups gnomAD compares: Non-Finnish European, 0.0027%; no homozygotes.

Submissions (2):

Ambry Genetics
Classification: Likely benign for Inborn genetic diseases. Last evaluated: 2023-09-05. Review status: criteria provided, single submitter. Criteria: Ambry Variant Classification Scheme 2023. Collection method: clinical testing. Allele origin: germline.

PreventionGenetics, part of Exact Sciences
Classification: Likely benign for BMPR2-related condition. Last evaluated: 2019-07-30. Review status: no assertion criteria provided. Collection method: clinical testing. Allele origin: germline. Not counted in ClinVar's aggregate classification.
Comment: This variant is classified as likely benign based on ACMG/AMP sequence variant interpretation guidelines (Richards et al. 2015 PMID: 25741868, with internal and published modifications).